The following is an entry in ClinVar:

NM_000170.3(GLDC):c.2213_2214del (p.Cys738fs)

Gene: GLDC (glycine decarboxylase; minus strand). Cytogenetic location: 9p24.1.
Variant type: Deletion.
Coding change: c.2213_2214del on transcript NM_000170.3 (MANE Select); coding-DNA positions 2213 to 2214, 2 bases deleted (GT; older notation c.2213_2214delGT).
Protein change: p.Cys738fs; shifts the reading frame from cysteine 738.
Molecular consequence: frameshift variant.
Genome position (GRCh38, 1-based): chr9:6,554,770-6,554,771, AC deleted on the plus strand (GT on the coding strand, the reverse complement: GLDC is on the minus strand); deleting any 2 consecutive bases within chr9:6,554,770-6,554,772 gives the same sequence; the c. name uses the placement nearest the transcript's 3' end. VCF-style (leftmost placement, unchanged base first): chr9-6554769-GAC-G. GRCh37 (hg19) VCF-style: chr9-6554769-GAC-G.
Other names: c.2213_2214delGT (NM_000170.2); short protein forms C738fs.
Identifiers: ClinVar variation 56065 (VCV000056065.2), dbSNP rs386833546, ClinGen allele CA263346.

ClinVar aggregate classification (germline): Likely pathogenic (0 of 4 stars; one submission).

Conditions:
Glycine encephalopathy. Also called: Nonketotic hyperglycinemia; Non-ketotic hyperglycinemia. Identifiers: Orphanet 407, MedGen C0751748, MONDO:0011612, HP:0008288.

Submission:

Juha Muilu Group; Institute for Molecular Medicine Finland (FIMM)
Classification: Likely pathogenic for Non-ketotic hyperglycinemia. Review status: no assertion criteria provided. Collection method: not provided. Allele origin: unknown.
Comment: FinDis database variant: This variant was not found or characterized by our laboratory, data were collected from public sources: see reference
ClinVar note: Converted during submission from probable-pathogenic to Likely pathogenic.